The following is an entry in ClinVar:

NM_020680.4(SCYL1):c.1568G>A (p.Arg523Gln)

Gene: SCYL1 (SCY1 like pseudokinase 1; plus strand). Cytogenetic location: 11q13.1.
Variant type: single nucleotide variant.
Coding change: c.1568G>A on transcript NM_020680.4 (MANE Select); coding-DNA position 1568, G replaced by A.
Protein change: p.Arg523Gln; replaces arginine 523 with glutamine.
Molecular consequence: missense variant.
Genome position (GRCh38, 1-based): chr11:65,536,134, G>A. VCF-style: chr11-65536134-G-A. GRCh37 (hg19) VCF-style: chr11-65303605-G-A.
Other names: c.1568G>A, p.Arg523Gln (NM_001048218.2, NM_001411022.1, NM_001425179.1 and 16 more transcripts); c.1565G>A, p.Arg522Gln (NM_001425180.1, NM_001425183.1); c.1490G>A, p.Arg497Gln (NM_001425187.1); c.1313G>A, p.Arg438Gln (NM_001425199.1); c.1304G>A, p.Arg435Gln (NM_001425200.1); c.1139G>A, p.Arg380Gln (NM_001425203.1, NM_001425204.1, NM_001425205.1 and 2 more transcripts); c.1484G>A, p.Arg495Gln (NM_001425189.1); c.1454G>A, p.Arg485Gln (NM_001425191.1); and 1 more; short protein forms R380Q, R319Q, R435Q, R523Q, R438Q, R522Q, R485Q, R495Q.
Identifiers: ClinVar variation 3951226 (VCV003951226.2).

ClinVar aggregate classification (germline): Uncertain significance. Review status: criteria provided, multiple submitters, no conflicts (2 of 4 stars). 2 submissions from 2 submitters: Uncertain significance (2). Last evaluated 2026-01-17.

Conditions:
SCYL1-related disorder. Also called: SCYL1-related condition.
Inborn genetic diseases. Identifiers: MedGen C0950123, MeSH D030342.

gnomAD v4.1: 133 of 1,613,124 alleles (0.0082%); highest among the groups gnomAD compares: East Asian, 0.13%; no homozygotes.

Submissions (2):

PreventionGenetics, part of Exact Sciences
Classification: Uncertain significance for SCYL1-related condition. Last evaluated: 2026-01-17. Review status: criteria provided, single submitter. Criteria: ACMG Guidelines, 2015. Collection method: clinical testing. Allele origin: germline.
Comment: The SCYL1 c.1568G>A variant is predicted to result in the amino acid substitution p.Arg523Gln. To our knowledge, this variant has not been reported in the literature. This variant is reported in 0.045% of alleles in individuals of East Asian descent in gnomAD. Although we suspect that this variant may be benign, at this time, the clinical significance of this variant is uncertain due to the absence of conclusive functional and genetic evidence.

Ambry Genetics
Classification: Uncertain significance for Inborn genetic diseases. Last evaluated: 2025-04-04. Review status: criteria provided, single submitter. Criteria: Ambry Variant Classification Scheme 2023. Collection method: clinical testing. Allele origin: germline.